The following is an entry in ClinVar:

ClinVar aggregate classification (germline): Uncertain significance (1 of 4 stars; one submission).

Conditions:
Familial cold autoinflammatory syndrome 2 (FCAS2). Identifiers: Orphanet 247868, MedGen C2673198, MONDO:0012724, OMIM 611762.

Submission:

Labcorp Genetics (formerly Invitae), Labcorp
Classification: Uncertain significance for Familial cold autoinflammatory syndrome 2. Last evaluated: 2019-12-11. Review status: criteria provided, single submitter. Criteria: Invitae Variant Classification Sherloc (09022015). Collection method: clinical testing. Allele origin: germline.
Comment: This variant is an in-frame deletion of the genomic region encompassing exon 4 of the NLRP12 gene. It preserves the integrity of the reading frame. This variant has not been reported in the literature in individuals with a NLRP12-related disease. Experimental studies and prediction algorithms are not available for this variant, and the functional significance of the deleted exon is currently unknown. In summary, this is a novel in-frame deletion with uncertain impact on protein function. It has been classified as a Variant of Uncertain Significance.

NC_000019.10:g.(?_53807475)_(53807688_?)del

Gene: NLRP12 (NLR family pyrin domain containing 12; minus strand). Cytogenetic location: 19q13.42.
Variant type: Deletion.
Identifiers: ClinVar variation 469087 (VCV000469087.2).